The following is an entry in ClinVar:

ClinVar aggregate classification (germline): Uncertain significance (1 of 4 stars; one submission).

Conditions:
3-methylcrotonyl-CoA carboxylase 2 deficiency. Also called: METHYLCROTONYLGLYCINURIA, TYPE II; 3 alpha methylcrotonyl-CoA carboxylase 2 deficiency; 3 alpha methylcrotonylglycinuria 2; MCC 2 deficiency; Methylcrotonylglycinuria type 2. Identifiers: Orphanet 6, MedGen C1859499, MONDO:0008862, OMIM 210210.

Submission:

Labcorp Genetics (formerly Invitae), Labcorp
Classification: Uncertain significance for 3-methylcrotonyl-CoA carboxylase 2 deficiency. Last evaluated: 2023-07-28. Review status: criteria provided, single submitter. Criteria: Invitae Variant Classification Sherloc (09022015). Collection method: clinical testing. Allele origin: germline.
Comment: In summary, the available evidence is currently insufficient to determine the role of this variant in disease. Therefore, it has been classified as a Variant of Uncertain Significance. Advanced modeling of protein sequence and biophysical properties (such as structural, functional, and spatial information, amino acid conservation, physicochemical variation, residue mobility, and thermodynamic stability) performed at Invitae indicates that this missense variant is expected to disrupt MCCC2 protein function. ClinVar contains an entry for this variant (Variation ID: 2115007). This variant has not been reported in the literature in individuals affected with MCCC2-related conditions. This variant is not present in population databases (gnomAD no frequency). This sequence change replaces phenylalanine, which is neutral and non-polar, with leucine, which is neutral and non-polar, at codon 195 of the MCCC2 protein (p.Phe195Leu).

NM_022132.5(MCCC2):c.583T>C (p.Phe195Leu)

Gene: MCCC2 (methylcrotonyl-CoA carboxylase subunit 2; plus strand). Cytogenetic location: 5q13.2.
Variant type: single nucleotide variant.
Coding change: c.583T>C on transcript NM_022132.5 (MANE Select); coding-DNA position 583, T replaced by C.
Protein change: p.Phe195Leu; replaces phenylalanine 195 with leucine.
Molecular consequence: missense variant.
Genome position (GRCh38, 1-based): chr5:71,604,427, T>C. VCF-style: chr5-71604427-T-C. GRCh37 (hg19) VCF-style: chr5-70900254-T-C.
Other names: c.583T>C, p.Phe195Leu (NM_001363147.1); short protein forms F195L.
Identifiers: ClinVar variation 2115007 (VCV002115007.4), dbSNP rs2530740777, ClinGen allele CA360012067.